The following is an entry in ClinVar:

ClinVar aggregate classification (germline): Benign. Review status: criteria provided, multiple submitters, no conflicts (2 of 4 stars). 4 submissions from 4 submitters: Benign (3). 1 of the submissions does not count toward it. Last evaluated 2022-10-01.

Conditions:
UBR4-related disorder. Also called: UBR4-related condition.

Allele frequency attached by ClinVar (database versions not stated): 1000 Genomes Project 30x 0.00078; 1000 Genomes Project 0.00080; gnomAD 0.00089 and 0.00095; TOPMed 0.00107; ESP Exome Variant Server 0.00115; ExAC 0.00139; gnomAD exomes 0.00153 and 0.00167.
gnomAD v4.1: 2,576 of 1,614,090 alleles (0.16%); highest among the groups gnomAD compares: South Asian, 0.27%; 3 homozygotes.

Submissions (4):

CeGaT Center for Human Genetics Tuebingen
Classification: Benign. Last evaluated: 2022-10-01. Review status: criteria provided, single submitter. Criteria: CeGaT Center For Human Genetics Tuebingen Variant Classification Criteria Version 2. Collection method: clinical testing. Allele origin: germline. Affected: yes. Observed: 1 variant allele.
Comment: UBR4: BS1, BS2

Labcorp Genetics (formerly Invitae), Labcorp
Classification: Benign. Last evaluated: 2019-12-31. Review status: criteria provided, single submitter. Criteria: Invitae Variant Classification Sherloc (09022015). Collection method: clinical testing. Allele origin: germline.

Breakthrough Genomics
Classification: Benign. Review status: criteria provided, single submitter. Criteria: ACMG Guidelines, 2015. Collection method: not provided. Allele origin: germline. Inheritance: Unknown mechanism. Affected: yes.

PreventionGenetics, part of Exact Sciences
Classification: Likely benign for UBR4-related condition. Last evaluated: 2019-06-03. Review status: no assertion criteria provided. Collection method: clinical testing. Allele origin: germline. Not counted in ClinVar's aggregate classification.
Comment: This variant is classified as likely benign based on ACMG/AMP sequence variant interpretation guidelines (Richards et al. 2015 PMID: 25741868, with internal and published modifications).

NM_020765.3(UBR4):c.10215G>A (p.Lys3405=)

Genes: UBR4 (ubiquitin protein ligase E3 component n-recognin 4; minus strand), LOC126805641 (BRD4-independent group 4 enhancer GRCh37_chr1:19446050-19447249; plus strand). Cytogenetic location: 1p36.13.
Variant type: single nucleotide variant.
Coding change: c.10215G>A on transcript NM_020765.3 (MANE Select); coding-DNA position 10215, G replaced by A.
Protein change: p.Lys3405=; no amino-acid change (lysine 3405 retained).
Molecular consequence: synonymous variant.
Genome position (GRCh38, 1-based): chr1:19,120,275, C>T on the plus strand (G>A on the coding strand, the complement: UBR4 is on the minus strand). VCF-style: chr1-19120275-C-T. GRCh37 (hg19) VCF-style: chr1-19446769-C-T.
Identifiers: ClinVar variation 719165 (VCV000719165.30), dbSNP rs148941537, ClinGen allele CA649260.
Genomic context (GRCh38, chr1:19,120,275, plus strand): 5'-GCGCACCGAGGAAGAATTGGACTCTAACAGGAAACAACGCAGGAACTGGATCAGGGTTTC[C>T]TTATCGGCAAATTTGTTCAGCTGGTTCACCAGAGCTGTGCACAGCTGGTCCTCCTGGCTG-3'
Protein context (NP_065816.2, residues 3395-3415): LVNQLNKFAD[Lys3405=]ETLIQFLRCF